The following is an entry in ClinVar:

ClinVar aggregate classification (germline): Uncertain significance (1 of 4 stars; one submission).

Submission:

CeGaT Center for Human Genetics Tuebingen
Classification: Uncertain significance. Last evaluated: 2026-02-01. Review status: criteria provided, single submitter. Criteria: CeGaT Center For Human Genetics Tuebingen Variant Classification Criteria Version 2. Collection method: clinical testing. Allele origin: germline. Affected: yes. Observed: 1 variant allele.
Comment: NR2F1: PM2, PP2, PP3

NM_005654.6(NR2F1):c.785T>C (p.Leu262Pro)

Gene: NR2F1 (nuclear receptor subfamily 2 group F member 1; plus strand). Cytogenetic location: 5q15.
Variant type: single nucleotide variant.
Coding change: c.785T>C on transcript NM_005654.6 (MANE Select); coding-DNA position 785, T replaced by C.
Protein change: p.Leu262Pro; replaces leucine 262 with proline.
Molecular consequence: missense variant.
Genome position (GRCh38, 1-based): chr5:93,588,238, T>C. VCF-style: chr5-93588238-T-C. GRCh37 (hg19) VCF-style: chr5-92923944-T-C.
Other names: c.335T>C, p.Leu112Pro (NM_001410754.1); short protein forms L112P, L262P.
Identifiers: ClinVar variation 4823520 (VCV004823520.4).